The following is an entry in ClinVar:

NM_002143.3(HPCA):c.228C>T (p.Ser76=)

Gene: HPCA (hippocalcin; plus strand). Cytogenetic location: 1p35.1.
Variant type: single nucleotide variant.
Coding change: c.228C>T on transcript NM_002143.3 (MANE Select); coding-DNA position 228, C replaced by T.
Protein change: p.Ser76=; no amino-acid change (serine 76 retained).
Molecular consequence: synonymous variant.
Genome position (GRCh38, 1-based): chr1:32,889,126, C>T. VCF-style: chr1-32889126-C-T. GRCh37 (hg19) VCF-style: chr1-33354727-C-T.
Identifiers: ClinVar variation 424893 (VCV000424893.43), dbSNP rs372294576, ClinGen allele CA745873.

ClinVar aggregate classification (germline): Likely benign (1 of 4 stars; one submission).

Allele frequency attached by ClinVar (database versions not stated): TOPMed 0.00002; gnomAD 0.00003; gnomAD exomes 0.00004 and 0.00005; ExAC 0.00006; ESP Exome Variant Server 0.00023.

Submission:

CeGaT Center for Human Genetics Tuebingen
Classification: Likely benign. Last evaluated: 2022-11-01. Review status: criteria provided, single submitter. Criteria: CeGaT Center For Human Genetics Tuebingen Variant Classification Criteria Version 2. Collection method: clinical testing. Allele origin: germline. Affected: yes. Observed: 1 variant allele.
Comment: HPCA: BP4, BP7